The following is an entry in ClinVar:

ClinVar aggregate classification (germline): Uncertain significance (1 of 4 stars; one submission).

Conditions:
Genitopatellar syndrome (GTPTS). Also called: ABSENT PATELLAE, SCROTAL HYPOPLASIA, RENAL ANOMALIES, FACIAL DYSMORPHISM, AND MENTAL RETARDATION; Genitopatellar syndrome (GPS). Identifiers: Orphanet 85201, MedGen C1853566, MONDO:0011640, OMIM 606170.

gnomAD v4.1: 4 of 1,614,164 alleles (0.00025%); highest among the groups gnomAD compares: East Asian, 0.0045%; no homozygotes.

Submission:

Labcorp Genetics (formerly Invitae), Labcorp
Classification: Uncertain significance for Genitopatellar syndrome. Last evaluated: 2025-08-25. Review status: criteria provided, single submitter. Criteria: Invitae Variant Classification Sherloc (09022015). Collection method: clinical testing. Allele origin: germline.
Comment: This sequence change replaces arginine, which is basic and polar, with threonine, which is neutral and polar, at codon 986 of the KAT6B protein (p.Arg986Thr). This variant is present in population databases (rs760628263, gnomAD 0.005%). This variant has not been reported in the literature in individuals affected with KAT6B-related conditions. ClinVar contains an entry for this variant (Variation ID: 3712544). Invitae Evidence Modeling of protein sequence and biophysical properties (such as structural, functional, and spatial information, amino acid conservation, physicochemical variation, residue mobility, and thermodynamic stability) indicates that this missense variant is not expected to disrupt KAT6B protein function with a negative predictive value of 80%. In summary, the available evidence is currently insufficient to determine the role of this variant in disease. Therefore, it has been classified as a Variant of Uncertain Significance.

NM_012330.4(KAT6B):c.2957G>C (p.Arg986Thr)

Gene: KAT6B (lysine acetyltransferase 6B; plus strand). Cytogenetic location: 10q22.2.
Variant type: single nucleotide variant.
Coding change: c.2957G>C on transcript NM_012330.4 (MANE Select); coding-DNA position 2957, G replaced by C.
Protein change: p.Arg986Thr; replaces arginine 986 with threonine.
Molecular consequence: missense variant.
Genome position (GRCh38, 1-based): chr10:75,021,221, G>C. VCF-style: chr10-75021221-G-C. GRCh37 (hg19) VCF-style: chr10-76780979-G-C.
Other names: c.2081G>C, p.Arg694Thr (NM_001256469.2, NM_001370139.1, NM_001370140.1 and 2 more transcripts); c.1919G>C, p.Arg640Thr (NM_001370132.1); c.1268G>C, p.Arg423Thr (NM_001370133.1); c.872G>C, p.Arg291Thr (NM_001370134.1); c.614G>C, p.Arg205Thr (NM_001370135.1); c.2957G>C, p.Arg986Thr (NM_001370136.1, NM_001370137.1); c.2408G>C, p.Arg803Thr (NM_001370138.1, NM_001256468.2); c.1892G>C, p.Arg631Thr (NM_001370143.1, NM_001370144.1); short protein forms R291T, R631T, R694T, R423T, R205T, R986T, R640T, R803T.
Identifiers: ClinVar variation 3712544 (VCV003712544.2).